The following is an entry in ClinVar:

ClinVar aggregate classification (germline): Likely benign. Review status: criteria provided, multiple submitters, no conflicts (2 of 4 stars). 2 submissions from 2 submitters: Likely benign (2). Last evaluated 2025-10-17.

Conditions:
Ehlers-Danlos syndrome, classic type, 1 (EDSCL1). Also called: EHLERS-DANLOS SYNDROME, GRAVIS TYPE; EHLERS-DANLOS SYNDROME, SEVERE CLASSIC TYPE; Ehlers-Danlos syndrome, type 1; EDS I; Ehlers-Danlos Syndrome, Classic Type, COL5A1-Related. Identifiers: MedGen C0268335, MONDO:0019567, OMIM 130000.
Osteogenesis imperfecta type I (OI1). Also called: OI, TYPE I; OSTEOGENESIS IMPERFECTA TARDA; OSTEOGENESIS IMPERFECTA WITH BLUE SCLERAE; Osteogenesis imperfecta type 1; Lobstein's Disease; Lobstein disease. Identifiers: Orphanet 216796, Orphanet 666, MedGen C0023931, MONDO:0008146, OMIM 166200. Disease mechanism: loss of function.

Allele frequency attached by ClinVar (database versions not stated): gnomAD 0.00003; TOPMed 0.00003; ExAC 0.00001; gnomAD exomes 0.00002.

Submissions (2):

Labcorp Genetics (formerly Invitae), Labcorp
Classification: Likely benign for Osteogenesis imperfecta type I; Ehlers-Danlos syndrome, classic type, 1. Last evaluated: 2025-10-17. Review status: criteria provided, single submitter. Criteria: Invitae Variant Classification Sherloc (09022015). Collection method: clinical testing. Allele origin: germline.

Women's Health and Genetics/Laboratory Corporation of America, LabCorp
Classification: Likely benign. Last evaluated: 2025-05-06. Review status: criteria provided, single submitter. Criteria: LabCorp Variant Classification Summary - May 2015. Collection method: clinical testing. Allele origin: germline.
Comment: Variant summary: COL1A2 c.694-10T>G alters a non-conserved nucleotide located at a position not widely known to affect splicing. Consensus agreement among computation tools predict no significant impact on normal splicing. However, these predictions have yet to be confirmed by functional studies. The variant allele was found at a frequency of 4e-06 in 251480 control chromosomes. The available data on variant occurrences in the general population are insufficient to allow any conclusion about variant significance. To our knowledge, no occurrence of c.694-10T>G in individuals affected with Ehlers-Danlos syndrome, cardiac valvular type and no experimental evidence demonstrating its impact on protein function have been reported. ClinVar contains an entry for this variant (Variation ID: 1962167). Based on the evidence outlined above, the variant was classified as likely benign.

NM_000089.4(COL1A2):c.694-10T>G

Gene: COL1A2 (collagen type I alpha 2 chain; plus strand). Cytogenetic location: 7q21.3.
Variant type: single nucleotide variant.
Coding change: c.694-10T>G on transcript NM_000089.4 (MANE Select); 10 bases into the intron before coding-DNA position 694, T replaced by G.
Molecular consequence: intron variant.
Genome position (GRCh38, 1-based): chr7:94,408,326, T>G. VCF-style: chr7-94408326-T-G. GRCh37 (hg19) VCF-style: chr7-94037638-T-G.
Identifiers: ClinVar variation 1962167 (VCV001962167.6), dbSNP rs768367036, ClinGen allele CA4346781.